The following is an entry in ClinVar:

ClinVar aggregate classification (germline): Pathogenic (1 of 4 stars; one submission).

Conditions:
Loeys-Dietz syndrome 4 (LDS4). Also called: ANEURYSM, AORTIC AND CEREBRAL, WITH ARTERIAL TORTUOSITY AND SKELETAL MANIFESTATIONS; TGFB2-Related Loeys-Dietz Syndrome. Identifiers: MedGen C3553762, MONDO:0013897, OMIM 614816.

Submission:

Labcorp Genetics (formerly Invitae), Labcorp
Classification: Pathogenic for Loeys-Dietz syndrome 4. Last evaluated: 2026-01-14. Review status: criteria provided, single submitter. Criteria: Invitae Variant Classification Sherloc (09022015). Collection method: clinical testing. Allele origin: germline.
Comment: This sequence change creates a premature translational stop signal (p.Tyr57*) in the TGFB2 gene. It is expected to result in an absent or disrupted protein product. Loss-of-function variants in TGFB2 are known to be pathogenic (PMID: 22772368, 22772371, 30739908). This variant is not present in population databases (gnomAD no frequency). This variant has not been reported in the literature in individuals affected with TGFB2-related conditions. ClinVar contains an entry for this variant (Variation ID: 1452940). For these reasons, this variant has been classified as Pathogenic.

Literature cited by the submitters: PubMed 22772368; PubMed 22772371; PubMed 30739908.

NM_003238.6(TGFB2):c.171T>A (p.Tyr57Ter)

Gene: TGFB2 (transforming growth factor beta 2; plus strand). Cytogenetic location: 1q41.
Variant type: single nucleotide variant.
Coding change: c.171T>A on transcript NM_003238.6 (MANE Select); coding-DNA position 171, T replaced by A.
Protein change: p.Tyr57Ter; replaces tyrosine 57 with a stop codon.
Molecular consequence: nonsense. On other transcripts: non-coding transcript variant (2).
Genome position (GRCh38, 1-based): chr1:218,346,872, T>A. VCF-style: chr1-218346872-T-A. GRCh37 (hg19) VCF-style: chr1-218520214-T-A.
Other names: c.171T>A, p.Tyr57Ter (NM_001135599.4); short protein forms Y57*.
Identifiers: ClinVar variation 1452940 (VCV001452940.6), dbSNP rs897070997, ClinGen allele CA344725444.